The following is an entry in ClinVar:

ClinVar aggregate classification (germline): Conflicting classifications of pathogenicity. Review status: criteria provided, conflicting classifications (1 of 4 stars). 3 submissions from 3 submitters: Uncertain significance (2); Likely benign (1). Last evaluated 2024-04-05.

Conditions:
Developmental and epileptic encephalopathy, 69. Also called: EPILEPTIC ENCEPHALOPATHY, EARLY INFANTILE, 69. Identifiers: MedGen C4748988, MONDO:0032657, OMIM 618285.

Submissions (3):

Labcorp Genetics (formerly Invitae), Labcorp
Classification: Likely benign. Last evaluated: 2024-04-05. Review status: criteria provided, single submitter. Criteria: Invitae Variant Classification Sherloc (09022015). Collection method: clinical testing. Allele origin: germline.

GeneDx
Classification: Uncertain significance. Last evaluated: 2024-03-06. Review status: criteria provided, single submitter. Criteria: GeneDx Variant Classification Process June 2021. Collection method: clinical testing. Allele origin: germline.
Comment: Not observed at significant frequency in large population cohorts (gnomAD); In silico analysis supports that this missense variant has a deleterious effect on protein structure/function; Has not been previously published as pathogenic or benign to our knowledge

Genome-Nilou Lab
Classification: Uncertain significance for Developmental and epileptic encephalopathy, 69. Last evaluated: 2023-04-11. Review status: criteria provided, single submitter. Criteria: ACMG Guidelines, 2015. Collection method: clinical testing. Allele origin: germline. Affected: no.

NM_001205293.3(CACNA1E):c.4741G>T (p.Ala1581Ser)

Gene: CACNA1E (calcium voltage-gated channel subunit alpha1 E; plus strand). Cytogenetic location: 1q25.3.
Variant type: single nucleotide variant.
Coding change: c.4741G>T on transcript NM_001205293.3 (MANE Select); coding-DNA position 4741, G replaced by T.
Protein change: p.Ala1581Ser; replaces alanine 1581 with serine.
Molecular consequence: missense variant.
Genome position (GRCh38, 1-based): chr1:181,763,457, G>T. VCF-style: chr1-181763457-G-T. GRCh37 (hg19) VCF-style: chr1-181732593-G-T.
Other names: c.4741G>T (NM_000721.3); c.4741G>T, p.Ala1581Ser (NM_000721.4); c.4684G>T, p.Ala1562Ser (NM_001205294.2); short protein forms A1581S, A1562S.
Identifiers: ClinVar variation 1963591 (VCV001963591.8), dbSNP rs1658762654, ClinGen allele CA343626347.